The following is an entry in ClinVar:

ClinVar aggregate classification (germline): Pathogenic (1 of 4 stars; one submission).

Conditions:
Polycystic kidney disease, adult type (PKD1). Also called: Polycystic Kidney Disease 1, Autosomal Dominant; Polycystic kidney disease 1; Polycystic kidney disease 1, severe; Polycystic Kidney, Autosomal Dominant; POLYCYSTIC KIDNEY DISEASE 1 WITH OR WITHOUT POLYCYSTIC LIVER DISEASE; POLYCYSTIC KIDNEY DISEASE, ADULT, TYPE I. Identifiers: MedGen C3149841, MONDO:0008263, OMIM 173900.

Submission:

MVZ Medizinische Genetik Mainz
Classification: Pathogenic for Polycystic kidney disease, adult type. Last evaluated: 2023-02-28. Review status: criteria provided, single submitter. Criteria: UK Practice Guidelines For Variant Classification V4 01 2020. Collection method: clinical testing. Allele origin: germline. Inheritance: Autosomal dominant inheritance. Affected: yes. Observed: 1 variant allele.
Comment: ACMG Criteria: PVS1, PM2_SUP, PP4 (ACMG Version 4)

NM_001009944.3(PKD1):c.8374del (p.Ser2792fs)

Gene: PKD1 (polycystin 1, transient receptor potential channel interacting; minus strand). Cytogenetic location: 16p13.3.
Variant type: Deletion.
Coding change: c.8374del on transcript NM_001009944.3 (MANE Select); coding-DNA position 8374, one base deleted (A; older notation c.8374delA).
Protein change: p.Ser2792fs; shifts the reading frame from serine 2792.
Molecular consequence: frameshift variant.
Genome position (GRCh38, 1-based): chr16:2,103,683, T deleted on the plus strand (A on the coding strand, the reverse complement: PKD1 is on the minus strand). VCF-style (leftmost placement, unchanged base first): chr16-2103682-CT-C. GRCh37 (hg19) VCF-style: chr16-2153683-CT-C.
Other names: c.8374del, p.Ser2792fs (NM_000296.4); short protein forms S2792fs.
Identifiers: ClinVar variation 3236799 (VCV003236799.1), dbSNP rs2544745075.